The following is an entry in ClinVar:

ClinVar aggregate classification (germline): Uncertain significance. Review status: criteria provided, multiple submitters, no conflicts (2 of 4 stars). 2 submissions from 2 submitters: Uncertain significance (2). Last evaluated 2025-11-25.

Conditions:
Hereditary cancer-predisposing syndrome. Also called: Neoplastic Syndromes, Hereditary; Tumor predisposition; Hereditary neoplastic syndrome; Hereditary Cancer Syndrome. Identifiers: Orphanet 140162, MedGen C0027672, MeSH D009386, MONDO:0015356.
Familial melanoma. Also called: Hereditary melanoma; Hereditary cutaneous melanoma. Identifiers: Orphanet 618, MedGen C1512419, MONDO:0018961.

Allele frequency attached by ClinVar (database versions not stated): gnomAD exomes below 0.00001.
gnomAD v4.1: 1 of 1,614,094 alleles (0.000062%); highest among the groups gnomAD compares: Admixed American, 0.0017%; no homozygotes.

Submissions (2):

Ambry Genetics
Classification: Uncertain significance for Hereditary cancer-predisposing syndrome. Last evaluated: 2025-11-25. Review status: criteria provided, single submitter. Criteria: Ambry Variant Classification Scheme 2023. Collection method: clinical testing. Allele origin: germline.
Comment: The p.N134S variant (also known as c.401A>G), located in coding exon 3 of the CDK4 gene, results from an A to G substitution at nucleotide position 401. The asparagine at codon 134 is replaced by serine, an amino acid with highly similar properties. This amino acid position is well conserved in available vertebrate species. In addition, this alteration is predicted to be tolerated by in silico analysis. Since supporting evidence is limited at this time, the clinical significance of this alteration remains unclear.

Labcorp Genetics (formerly Invitae), Labcorp
Classification: Uncertain significance for Familial melanoma. Last evaluated: 2025-09-15. Review status: criteria provided, single submitter. Criteria: Invitae Variant Classification Sherloc (09022015). Collection method: clinical testing. Allele origin: germline.
Comment: This sequence change replaces asparagine, which is neutral and polar, with serine, which is neutral and polar, at codon 134 of the CDK4 protein (p.Asn134Ser). This variant is not present in population databases (gnomAD no frequency). This variant has not been reported in the literature in individuals affected with CDK4-related conditions. ClinVar contains an entry for this variant (Variation ID: 824503). An algorithm developed to predict the effect of missense changes on protein structure and function (PolyPhen-2) suggests that this variant is likely to be disruptive. In summary, the available evidence is currently insufficient to determine the role of this variant in disease. Therefore, it has been classified as a Variant of Uncertain Significance.

NM_000075.4(CDK4):c.401A>G (p.Asn134Ser)

Gene: CDK4 (cyclin dependent kinase 4; minus strand). Cytogenetic location: 12q14.1.
Variant type: single nucleotide variant.
Coding change: c.401A>G on transcript NM_000075.4 (MANE Select); coding-DNA position 401, A replaced by G.
Protein change: p.Asn134Ser; replaces asparagine 134 with serine.
Molecular consequence: missense variant.
Genome position (GRCh38, 1-based): chr12:57,751,044, T>C on the plus strand (A>G on the coding strand, the complement: CDK4 is on the minus strand). VCF-style: chr12-57751044-T-C. GRCh37 (hg19) VCF-style: chr12-58144827-T-C.
Other names: short protein forms N134S.
Identifiers: ClinVar variation 824503 (VCV000824503.14), dbSNP rs1595110530, ClinGen allele CA385546833.